The following is an entry in ClinVar:

NM_001089.3(ABCA3):c.598G>T (p.Asp200Tyr)

Gene: ABCA3 (ATP binding cassette subfamily A member 3; minus strand). Cytogenetic location: 16p13.3.
Variant type: single nucleotide variant.
Coding change: c.598G>T on transcript NM_001089.3 (MANE Select); coding-DNA position 598, G replaced by T.
Protein change: p.Asp200Tyr; replaces aspartic acid 200 with tyrosine.
Molecular consequence: missense variant.
Genome position (GRCh38, 1-based): chr16:2,323,538, C>A on the plus strand (G>T on the coding strand, the complement: ABCA3 is on the minus strand). VCF-style: chr16-2323538-C-A. GRCh37 (hg19) VCF-style: chr16-2373539-C-A.
Other names: short protein forms D200Y.
Identifiers: ClinVar variation 1750899 (VCV001750899.2), dbSNP rs755896161, ClinGen allele CA7841607.

ClinVar aggregate classification (germline): Uncertain significance (1 of 4 stars; one submission).

Conditions:
Hereditary pulmonary alveolar proteinosis. Also called: Pulmonary surfactant metabolism dysfunction. Identifiers: Orphanet 264675, MedGen C3711368, MONDO:0012580.

Allele frequency attached by ClinVar (database versions not stated): TOPMed below 0.00001; ExAC 0.00001; gnomAD 0.00001.
gnomAD v4.1: 2 of 1,614,040 alleles (0.00012%); highest among the groups gnomAD compares: Non-Finnish European, 0.00017%; no homozygotes.

Submission:

Ambry Genetics
Classification: Uncertain significance for Hereditary pulmonary alveolar proteinosis. Last evaluated: 2022-03-04. Review status: criteria provided, single submitter. Criteria: Ambry Variant Classification Scheme 2023. Collection method: clinical testing. Allele origin: germline.
Comment: The p.D200Y variant (also known as c.598G>T), located in coding exon 4 of the ABCA3 gene, results from a G to T substitution at nucleotide position 598. The aspartic acid at codon 200 is replaced by tyrosine, an amino acid with highly dissimilar properties. This amino acid position is conserved. In addition, this alteration is predicted to be deleterious by in silico analysis. Since supporting evidence is limited at this time, the clinical significance of this alteration remains unclear.